The following is an entry in ClinVar:

NM_001382391.1(CSPP1):c.3188A>G (p.Asn1063Ser)

Genes: ARFGEF1 (ARF guanine nucleotide exchange factor 1; minus strand), CSPP1 (centrosome and spindle pole associated protein 1; plus strand). Cytogenetic location: 8q13.2.
Variant type: single nucleotide variant.
Coding change: c.3188A>G on transcript NM_001382391.1 (MANE Select); coding-DNA position 3188, A replaced by G.
Protein change: p.Asn1063Ser; replaces asparagine 1063 with serine.
Molecular consequence: missense variant. On other transcripts: intron variant (2).
Genome position (GRCh38, 1-based): chr8:67,179,894, A>G. VCF-style: chr8-67179894-A-G. GRCh37 (hg19) VCF-style: chr8-68092129-A-G.
Other names: c.2138A>G, p.Asn713Ser (NM_001291339.2); c.3107A>G, p.Asn1036Ser (NM_001363131.2); c.2993A>G, p.Asn998Ser (NM_001363132.2); c.2912A>G, p.Asn971Ser (NM_001363133.2); c.3254A>G, p.Asn1085Ser (NM_001364869.1); c.3074A>G, p.Asn1025Ser (NM_001364870.1); c.3020A>G, p.Asn1007Ser (NM_001438330.1); c.3173A>G, p.Asn1058Ser (NM_001438331.1, NM_024790.7); and 3 more; short protein forms N1025S, N1058S, N998S, N1085S, N713S, N1036S, N971S, N1063S.
Identifiers: ClinVar variation 860310 (VCV000860310.10), dbSNP rs201884732, ClinGen allele CA4771090.

ClinVar aggregate classification (germline): Uncertain significance. Review status: criteria provided, multiple submitters, no conflicts (2 of 4 stars). 4 submissions from 4 submitters: Uncertain significance (4). Last evaluated 2025-06-30.

Conditions:
Inborn genetic diseases. Identifiers: MedGen C0950123, MeSH D030342.
Joubert syndrome 21 (JBTS21). Identifiers: MedGen C3810212, MONDO:0014288, OMIM 615636.

Allele frequency attached by ClinVar (database versions not stated): gnomAD exomes 0.00008 and 0.00020; ESP Exome Variant Server 0.00034; gnomAD 0.00009; TOPMed 0.00011; ExAC 0.00012.
gnomAD v4.1: 315 of 1,589,788 alleles (0.02%); highest among the groups gnomAD compares: Non-Finnish European, 0.025%; no homozygotes.

Submissions (4):

GeneDx
Classification: Uncertain significance. Last evaluated: 2025-06-30. Review status: criteria provided, single submitter. Criteria: GeneDx Variant Classification Process June 2021. Collection method: clinical testing. Allele origin: germline. Affected: yes.
Comment: In silico analysis suggests that this missense variant does not alter protein structure/function; Has not been previously published as pathogenic or benign to our knowledge

Ambry Genetics
Classification: Uncertain significance for Inborn genetic diseases. Last evaluated: 2025-06-10. Review status: criteria provided, single submitter. Criteria: Ambry Variant Classification Scheme 2023. Collection method: clinical testing. Allele origin: germline.

Blueprint Genetics
Classification: Uncertain significance. Last evaluated: 2024-08-08. Review status: criteria provided, single submitter. Criteria: ACMG Guidelines, 2015. Collection method: clinical testing. Allele origin: germline.

Labcorp Genetics (formerly Invitae), Labcorp
Classification: Uncertain significance for Joubert syndrome 21. Last evaluated: 2023-11-27. Review status: criteria provided, single submitter. Criteria: Invitae Variant Classification Sherloc (09022015). Collection method: clinical testing. Allele origin: germline.
Comment: This sequence change replaces asparagine, which is neutral and polar, with serine, which is neutral and polar, at codon 1058 of the CSPP1 protein (p.Asn1058Ser). This variant is present in population databases (rs201884732, gnomAD 0.02%). This variant has not been reported in the literature in individuals affected with CSPP1-related conditions. ClinVar contains an entry for this variant (Variation ID: 860310). An algorithm developed to predict the effect of missense changes on protein structure and function (PolyPhen-2) suggests that this variant¬†is likely to be tolerated. In summary, the available evidence is currently insufficient to determine the role of this variant in disease. Therefore, it has been classified as a Variant of Uncertain Significance.